The following is an entry in ClinVar:

ClinVar aggregate classification (germline): Uncertain significance (1 of 4 stars; one submission).

Allele frequency attached by ClinVar (database versions not stated): ExAC 0.00002.
gnomAD v4.1: 4 of 1,614,092 alleles (0.00025%); highest among the groups gnomAD compares: South Asian, 0.0044%; no homozygotes.

Submission:

Labcorp Genetics (formerly Invitae), Labcorp
Classification: Uncertain significance. Last evaluated: 2022-04-10. Review status: criteria provided, single submitter. Criteria: Invitae Variant Classification Sherloc (09022015). Collection method: clinical testing. Allele origin: germline.
Comment: This sequence change replaces alanine, which is neutral and non-polar, with proline, which is neutral and non-polar, at codon 513 of the WHRN protein (p.Ala513Pro). This variant is present in population databases (rs749433283, gnomAD 0.01%). This variant has not been reported in the literature in individuals affected with WHRN-related conditions. Algorithms developed to predict the effect of missense changes on protein structure and function output the following: SIFT: "Tolerated"; PolyPhen-2: "Benign"; Align-GVGD: "Class C0". The proline amino acid residue is found in multiple mammalian species, which suggests that this missense change does not adversely affect protein function. In summary, the available evidence is currently insufficient to determine the role of this variant in disease. Therefore, it has been classified as a Variant of Uncertain Significance.

NM_015404.4(WHRN):c.1537G>C (p.Ala513Pro)

Gene: WHRN (whirlin; minus strand). Cytogenetic location: 9q32.
Variant type: single nucleotide variant.
Coding change: c.1537G>C on transcript NM_015404.4 (MANE Select); coding-DNA position 1537, G replaced by C.
Protein change: p.Ala513Pro; replaces alanine 513 with proline.
Molecular consequence: missense variant.
Genome position (GRCh38, 1-based): chr9:114,423,403, C>G on the plus strand (G>C on the coding strand, the complement: WHRN is on the minus strand). VCF-style: chr9-114423403-C-G. GRCh37 (hg19) VCF-style: chr9-117185683-C-G.
Other names: c.388G>C, p.Ala130Pro (NM_001083885.3); c.1537G>C, p.Ala513Pro (NM_001173425.2); c.484G>C, p.Ala162Pro (NM_001346890.1); short protein forms A513P, A130P, A162P.
Identifiers: ClinVar variation 1941844 (VCV001941844.2), dbSNP rs749433283, ClinGen allele CA5205915.